The following is an entry in ClinVar:

NM_000732.6(CD3D):c.440A>G (p.Gln147Arg)

Gene: CD3D (CD3 delta subunit of T-cell receptor complex; minus strand). Cytogenetic location: 11q23.3.
Variant type: single nucleotide variant.
Coding change: c.440A>G on transcript NM_000732.6 (MANE Select); coding-DNA position 440, A replaced by G.
Protein change: p.Gln147Arg; replaces glutamine 147 with arginine.
Molecular consequence: missense variant.
Genome position (GRCh38, 1-based): chr11:118,339,461, T>C on the plus strand (A>G on the coding strand, the complement: CD3D is on the minus strand). VCF-style: chr11-118339461-T-C. GRCh37 (hg19) VCF-style: chr11-118210176-T-C.
Other names: c.308A>G, p.Gln103Arg (NM_001040651.2); short protein forms Q103R, Q147R.
Identifiers: ClinVar variation 645619 (VCV000645619.8), dbSNP rs45510201, ClinGen allele CA229522102.

ClinVar aggregate classification (germline): Uncertain significance (1 of 4 stars; one submission).

Conditions:
Immunodeficiency 19 (IMD19). Also called: CD3-DELTA DEFICIENCY; SEVERE COMBINED IMMUNODEFICIENCY, T CELL-NEGATIVE, B CELL-POSITIVE, NK CELL-POSITIVE; SCID, T CELL-NEGATIVE, B CELL-POSITIVE, NK CELL-POSITIVE; IMMUNODEFICIENCY 19, SEVERE COMBINED. Identifiers: MedGen C3810147, MONDO:0014280, OMIM 615617.

Allele frequency attached by ClinVar (database versions not stated): gnomAD exomes below 0.00001 and 0.00001; gnomAD 0.00001; TOPMed 0.00002.

Submission:

Labcorp Genetics (formerly Invitae), Labcorp
Classification: Uncertain significance for Immunodeficiency 19. Last evaluated: 2022-02-04. Review status: criteria provided, single submitter. Criteria: Invitae Variant Classification Sherloc (09022015). Collection method: clinical testing. Allele origin: germline.
Comment: This sequence change replaces glutamine, which is neutral and polar, with arginine, which is basic and polar, at codon 147 of the CD3D protein (p.Gln147Arg). This variant is present in population databases (rs45510201, gnomAD 0.002%). This variant has not been reported in the literature in individuals affected with CD3D-related conditions. ClinVar contains an entry for this variant (Variation ID: 645619). Algorithms developed to predict the effect of missense changes on protein structure and function are either unavailable or do not agree on the potential impact of this missense change (SIFT: "Tolerated"; PolyPhen-2: "Possibly Damaging"; Align-GVGD: "Class C0"). In summary, the available evidence is currently insufficient to determine the role of this variant in disease. Therefore, it has been classified as a Variant of Uncertain Significance.